The following is an entry in ClinVar:

NM_015246.4(MGRN1):c.849C>T (p.Ser283=)

Gene: MGRN1 (mahogunin ring finger 1; plus strand). Cytogenetic location: 16p13.3.
Variant type: single nucleotide variant.
Coding change: c.849C>T on transcript NM_015246.4 (MANE Select); coding-DNA position 849, C replaced by T.
Protein change: p.Ser283=; no amino-acid change (serine 283 retained).
Molecular consequence: synonymous variant. On other transcripts: non-coding transcript variant (1).
Genome position (GRCh38, 1-based): chr16:4,673,551, C>T. VCF-style: chr16-4673551-C-T. GRCh37 (hg19) VCF-style: chr16-4723552-C-T.
Other names: c.849C>T, p.Ser283= (NM_001142289.3, NM_001142290.3, NM_001142291.3).
Identifiers: ClinVar variation 2646155 (VCV002646155.24), dbSNP rs199504452, ClinGen allele CA7878510.
Genomic context (GRCh38, chr16:4,673,551, plus strand): 5'-CCGGCAGCCCTCGGACGACGAGAACAGCGACAACAGCAACGAGTGTGTGGTGTGCCTGTC[C>T]GACCTGCGGGACACGCTGATCCTGCCCTGCCGCCACCTGTGCCTCTGTACCTCCTGCGCC-3'
Protein context (NP_056061.1, residues 273-293): DNSNECVVCL[Ser283=]DLRDTLILPC

ClinVar aggregate classification (germline): Likely benign (1 of 4 stars; one submission).

Allele frequency attached by ClinVar (database versions not stated): 1000 Genomes Project 30x 0.00172; 1000 Genomes Project 0.00180; ExAC 0.00401; gnomAD 0.00454; TOPMed 0.00460; ESP Exome Variant Server 0.00531; gnomAD exomes 0.00593.
gnomAD v4.1: 9,298 of 1,613,730 alleles (0.58%); highest among the groups gnomAD compares: Non-Finnish European, 0.71%; 38 homozygotes.

Submission:

CeGaT Center for Human Genetics Tuebingen
Classification: Likely benign. Last evaluated: 2022-11-01. Review status: criteria provided, single submitter. Criteria: CeGaT Center For Human Genetics Tuebingen Variant Classification Criteria Version 2. Collection method: clinical testing. Allele origin: germline. Affected: yes. Observed: 1 variant allele.
Comment: MGRN1: BP4, BP7, BS2